The following is an entry in ClinVar:

ClinVar aggregate classification (germline): Uncertain significance. Review status: criteria provided, multiple submitters, no conflicts (2 of 4 stars). 4 submissions from 4 submitters: Uncertain significance (4). Last evaluated 2024-10-11.

Conditions:
Developmental delay, hypotonia, musculoskeletal defects, and behavioral abnormalities. Identifiers: MedGen C5562012, MONDO:0859202, OMIM 619595.
Floating-Harbor syndrome (FLHS). Also called: Short stature with delayed bone age, expressive language delay, a triangular face with a prominent nose and deep-set eyes; Pelletier-Leisti syndrome; SRCAP-Related Floating-Harbor Syndrome. Identifiers: Orphanet 2044, MedGen C0729582, MONDO:0007621, OMIM 136140.
SRCAP-related disorder. Also called: SRCAP-related condition.

gnomAD v4.1: 1 of 1,612,754 alleles (0.000062%); no homozygotes.

Submissions (4):

PreventionGenetics, part of Exact Sciences
Classification: Uncertain significance for SRCAP-related condition. Last evaluated: 2024-10-11. Review status: criteria provided, single submitter. Criteria: ACMG Guidelines, 2015. Collection method: clinical testing. Allele origin: germline.
Comment: The SRCAP c.3025G>C variant is predicted to result in the amino acid substitution p.Val1009Leu. To our knowledge, this variant has not been reported in the literature or in a large population database (gnomAD), indicating this variant is rare. At this time, the clinical significance of this variant is uncertain due to the absence of conclusive functional and genetic evidence.

Labcorp Genetics (formerly Invitae), Labcorp
Classification: Uncertain significance. Last evaluated: 2023-08-17. Review status: criteria provided, single submitter. Criteria: Invitae Variant Classification Sherloc (09022015). Collection method: clinical testing. Allele origin: germline.
Comment: In summary, the available evidence is currently insufficient to determine the role of this variant in disease. Therefore, it has been classified as a Variant of Uncertain Significance. Advanced modeling of protein sequence and biophysical properties (such as structural, functional, and spatial information, amino acid conservation, physicochemical variation, residue mobility, and thermodynamic stability) performed at Invitae indicates that this missense variant is not expected to disrupt SRCAP protein function. ClinVar contains an entry for this variant (Variation ID: 1450718). This variant has not been reported in the literature in individuals affected with SRCAP-related conditions. This variant is not present in population databases (gnomAD no frequency). This sequence change replaces valine, which is neutral and non-polar, with leucine, which is neutral and non-polar, at codon 1009 of the SRCAP protein (p.Val1009Leu).

Blueprint Genetics
Classification: Uncertain significance. Last evaluated: 2022-10-26. Review status: criteria provided, single submitter. Criteria: ACMG Guidelines, 2015. Collection method: clinical testing. Allele origin: germline.

Fulgent Genetics
Classification: Uncertain significance for Floating-Harbor syndrome; Developmental delay, hypotonia, musculoskeletal defects, and behavioral abnormalities. Last evaluated: 2022-02-05. Review status: criteria provided, single submitter. Criteria: ACMG Guidelines, 2015. Collection method: clinical testing. Allele origin: unknown.

NM_006662.3(SRCAP):c.3025G>C (p.Val1009Leu)

Gene: SRCAP (Snf2 related CREBBP activator protein; plus strand). Cytogenetic location: 16p11.2.
Variant type: single nucleotide variant.
Coding change: c.3025G>C on transcript NM_006662.3 (MANE Select); coding-DNA position 3025, G replaced by C.
Protein change: p.Val1009Leu; replaces valine 1009 with leucine.
Molecular consequence: missense variant.
Genome position (GRCh38, 1-based): chr16:30,720,750, G>C. VCF-style: chr16-30720750-G-C. GRCh37 (hg19) VCF-style: chr16-30732071-G-C.
Other names: c.3025G>C (NM_006662.2); short protein forms V1009L.
Identifiers: ClinVar variation 1450718 (VCV001450718.11), dbSNP rs982570410, ClinGen allele CA280511886.
Genomic context (GRCh38, chr16:30,720,750, plus strand): 5'-ACTCTCTTAATTTTTTCTCACAGGATGCTGCAGCCAGTACCTAAGCAAGAAGGCCGGACA[G>C]TGGTGGTGGTGAACAACCCACGGGCGCCCCTGGGCCCTGTCCCAGTTCGACCTCCTCCAG-3'
Protein context (NP_006653.2, residues 999-1019): QPVPKQEGRT[Val1009Leu]VVVNNPRAPL